The following is an entry in ClinVar:

NC_000023.11:g.(?_22221613)_(22227611_?)dup

Gene: PHEX (phosphate regulating endopeptidase X-linked; plus strand). Cytogenetic location: Xp22.11.
Variant type: Duplication.
Identifiers: ClinVar variation 832020 (VCV000832020.1).

ClinVar aggregate classification (germline): Likely pathogenic (1 of 4 stars; one submission).

Submission:

Labcorp Genetics (formerly Invitae), Labcorp
Classification: Likely pathogenic. Last evaluated: 2019-03-18. Review status: criteria provided, single submitter. Criteria: Invitae Variant Classification Sherloc (09022015). Collection method: clinical testing. Allele origin: germline.
Comment: This variant results in a copy number gain of the genomic region encompassing exons 18-20 of the PHEX gene. While the exact position of this variant cannot be determined from this data, sub-genic copy number gains are generally in tandem (PMID: 25640679) and may result in an absent or disrupted protein product. This variant has not been reported in the literature in individuals with PHEX-related conditions. Loss-of-function variants in PHEX are known to be pathogenic (PMID: 9097956, 9106524, 19219621). In summary, the currently available evidence indicates that the variant is pathogenic, but additional data are needed to prove that conclusively. Therefore, this variant has been classified as Likely Pathogenic.